The following is an entry in ClinVar:

ClinVar aggregate classification (germline): Uncertain significance (1 of 4 stars; one submission).

Submission:

Ambry Genetics
Classification: Uncertain significance. Last evaluated: 2024-12-28. Review status: criteria provided, single submitter. Criteria: Ambry Variant Classification Scheme 2023. Collection method: clinical testing. Allele origin: germline.
Comment: The p.G64V variant (also known as c.191G>T), located in coding exon 1 of the CDK12 gene, results from a G to T substitution at nucleotide position 191. The glycine at codon 64 is replaced by valine, an amino acid with dissimilar properties. This amino acid position is conserved. In addition, this alteration is predicted to be tolerated by in silico analysis. Based on the available evidence, the clinical significance of this variant remains unclear.

NM_016507.4(CDK12):c.191G>T (p.Gly64Val)

Genes: CDK12 (cyclin dependent kinase 12; plus strand), LOC126862553 (CDK7 strongly-dependent group 2 enhancer GRCh37_chr17:37618166-37619365; plus strand). Cytogenetic location: 17q12.
Variant type: single nucleotide variant.
Coding change: c.191G>T on transcript NM_016507.4 (MANE Select); coding-DNA position 191, G replaced by T.
Protein change: p.Gly64Val; replaces glycine 64 with valine.
Molecular consequence: missense variant.
Genome position (GRCh38, 1-based): chr17:39,462,262, G>T. VCF-style: chr17-39462262-G-T. GRCh37 (hg19) VCF-style: chr17-37618515-G-T.
Other names: c.191G>T, p.Gly64Val (NM_015083.4); short protein forms G64V.
Identifiers: ClinVar variation 3830416 (VCV003830416.1).